The following is an entry in ClinVar:

NM_000368.5(TSC1):c.476G>A (p.Gly159Asp)

Gene: TSC1 (TSC complex subunit 1; minus strand). Cytogenetic location: 9q34.13.
Variant type: single nucleotide variant.
Coding change: c.476G>A on transcript NM_000368.5 (MANE Select); coding-DNA position 476, G replaced by A.
Protein change: p.Gly159Asp; replaces glycine 159 with aspartic acid.
Molecular consequence: missense variant.
Genome position (GRCh38, 1-based): chr9:132,923,380, C>T on the plus strand (G>A on the coding strand, the complement: TSC1 is on the minus strand). VCF-style: chr9-132923380-C-T. GRCh37 (hg19) VCF-style: chr9-135798767-C-T.
Other names: c.476G>A (NM_000368.4); c.476G>A, p.Gly159Asp (NM_001162426.2); c.323G>A, p.Gly108Asp (NM_001162427.2); c.113G>A, p.Gly38Asp (NM_001362177.2); short protein forms G159D, G108D, G38D.
Identifiers: ClinVar variation 1389431 (VCV001389431.7), dbSNP rs2132187882, ClinGen allele CA375373234.
Genomic context (GRCh38, chr9:132,923,380, plus strand): 5'-CCCAACAGGTATATGAGGAGATCTGTACCTGGTTTCTTCAGGCACCATGATGACAGACGG[C>T]CAAAAATGTCAAAGAAATCAAGAAGATGCTGTTTCCCAGACTGTGGAATCATTGGTAGCA-3'
Protein context (NP_000359.1, residues 149-169): QHLLDFFDIF[Gly159Asp]RLSSWCLKKP

ClinVar aggregate classification (germline): Uncertain significance. Review status: criteria provided, multiple submitters, no conflicts (2 of 4 stars). 2 submissions from 2 submitters: Uncertain significance (2). Last evaluated 2025-07-23.

Conditions:
Hereditary cancer-predisposing syndrome. Also called: Hereditary neoplastic syndrome; Neoplastic Syndromes, Hereditary; Hereditary Cancer Syndrome; Tumor predisposition. Identifiers: Orphanet 140162, MedGen C0027672, MeSH D009386, MONDO:0015356.
Tuberous sclerosis 1 (TSC1). Identifiers: Orphanet 805, MedGen C1854465, MONDO:0008612, OMIM 191100.

Submissions (2):

Ambry Genetics
Classification: Uncertain significance for Hereditary cancer-predisposing syndrome. Last evaluated: 2025-07-23. Review status: criteria provided, single submitter. Criteria: Ambry Variant Classification Scheme 2023. Collection method: clinical testing. Allele origin: germline.
Comment: The p.G159D variant (also known as c.476G>A), located in coding exon 4 of the TSC1 gene, results from a G to A substitution at nucleotide position 476. The glycine at codon 159 is replaced by aspartic acid, an amino acid with similar properties. This amino acid position is conserved. In addition, this alteration is predicted to be deleterious by in silico analysis. Based on the available evidence, the clinical significance of this variant remains unclear.

Labcorp Genetics (formerly Invitae), Labcorp
Classification: Uncertain significance for Tuberous sclerosis 1. Last evaluated: 2021-10-25. Review status: criteria provided, single submitter. Criteria: Invitae Variant Classification Sherloc (09022015). Collection method: clinical testing. Allele origin: germline.
Comment: Algorithms developed to predict the effect of missense changes on protein structure and function are either unavailable or do not agree on the potential impact of this missense change (SIFT: "Deleterious"; PolyPhen-2: "Probably Damaging"; Align-GVGD: "Class C0"). This variant has not been reported in the literature in individuals affected with TSC1-related conditions. This variant is not present in population databases (ExAC no frequency). This sequence change replaces glycine with aspartic acid at codon 159 of the TSC1 protein (p.Gly159Asp). The glycine residue is highly conserved and there is a moderate physicochemical difference between glycine and aspartic acid. In summary, the available evidence is currently insufficient to determine the role of this variant in disease. Therefore, it has been classified as a Variant of Uncertain Significance.